The following is an entry in ClinVar:

NM_001378120.1(MBD5):c.19T>A (p.Cys7Ser)

Gene: MBD5 (methyl-CpG binding domain protein 5; plus strand). Cytogenetic location: 2q23.1.
Variant type: single nucleotide variant.
Coding change: c.19T>A on transcript NM_001378120.1 (MANE Select); coding-DNA position 19, T replaced by A.
Protein change: p.Cys7Ser; replaces cysteine 7 with serine.
Molecular consequence: missense variant.
Genome position (GRCh38, 1-based): chr2:148,458,777, T>A. VCF-style: chr2-148458777-T-A. GRCh37 (hg19) VCF-style: chr2-149216346-T-A.
Other names: c.19T>A, p.Cys7Ser (NM_018328.5); short protein forms C7S.
Identifiers: ClinVar variation 373711 (VCV000373711.12), dbSNP rs766104877, ClinGen allele CA1899799.
Genomic context (GRCh38, chr2:148,458,777, plus strand): 5'-TTATTGCTGATATCTTTGGAGAGTCCCTAGCAGACACAGAAAATGAATGGAGGCAAAGAG[T>A]GTGACGGAGGGGACAAGGAAGGAGGTCTTCCAGCTATACAAGTTCCTGTGGGTTGGCAGC-3'
Protein context (NP_001365049.1, residues 1-17): MNGGKE[Cys7Ser]DGGDKEGGLP

ClinVar aggregate classification (germline): Conflicting classifications of pathogenicity. Review status: criteria provided, conflicting classifications (1 of 4 stars). 3 submissions from 3 submitters: Uncertain significance (2); Likely benign (1). Last evaluated 2024-04-24.

Conditions:
Intellectual developmental disorder, autosomal dominant 1. Also called: Intellectual disability, autosomal dominant 1; MBD5 Haploinsufficiency. Identifiers: Orphanet 228402, MedGen C1969562, MONDO:0007974, OMIM 156200.

Allele frequency attached by ClinVar (database versions not stated): gnomAD 0.00001; gnomAD exomes below 0.00001; TOPMed 0.00001; ExAC 0.00001.
gnomAD v4.1: 1 of 1,613,190 alleles (0.000062%); highest among the groups gnomAD compares: Non-Finnish European, 0.000085%; no homozygotes.

Submissions (3):

Labcorp Genetics (formerly Invitae), Labcorp
Classification: Likely benign for Intellectual developmental disorder, autosomal dominant 1. Last evaluated: 2024-04-24. Review status: criteria provided, single submitter. Criteria: Invitae Variant Classification Sherloc (09022015). Collection method: clinical testing. Allele origin: germline.

Revvity Omics, Revvity
Classification: Uncertain significance. Last evaluated: 2021-07-22. Review status: criteria provided, single submitter. Criteria: ACMG Guidelines, 2015. Collection method: clinical testing. Allele origin: germline.

GeneDx
Classification: Uncertain significance. Last evaluated: 2016-12-02. Review status: criteria provided, single submitter. Criteria: GeneDx Variant Classification (06012015). Collection method: clinical testing. Allele origin: germline. Affected: yes.
Comment: A variant of uncertain significance has been identified in the MBD5 gene. The C7S variant has not been published as a pathogenic variant, nor has it been reported as a benign variant to our knowledge. The C7S variant is not observed at a significant frequency in large population cohorts (Lek et al., 2016; 1000 Genomes Consortium et al., 2015; Exome Variant Server). The C7S variant is a non-conservative amino acid substitution, which is likely to impact secondary protein structure as these residues differ in polarity, charge, size and/or other properties. This substitution occurs at a position that is conserved in mammals. However, in silico analysis is inconsistent in its predictions as to whether or not the variant is damaging to the protein structure/function. Additionally, to our knowledge, only loss-of-function pathogenic variants in MBD5 have been published in association with epilepsy. Therefore, based on the currently available information, it is unclear whether this variant is a pathogenic variant or a rare benign variant.